The following is an entry in ClinVar:

NM_006767.4(LZTR1):c.233del (p.Asp78fs)

Gene: LZTR1 (leucine zipper like post translational regulator 1; plus strand). Cytogenetic location: 22q11.21.
Variant type: Deletion.
Coding change: c.233del on transcript NM_006767.4 (MANE Select); coding-DNA position 233, one base deleted (A; older notation c.233delA).
Protein change: p.Asp78fs; shifts the reading frame from aspartic acid 78.
Molecular consequence: frameshift variant.
Genome position (GRCh38, 1-based): chr22:20,983,059, A deleted. VCF-style (leftmost placement, unchanged base first): chr22-20983058-GA-G. GRCh37 (hg19) VCF-style: chr22-21337347-GA-G.
Other names: short protein forms D78fs.
Identifiers: ClinVar variation 4714840 (VCV004714840.1).

ClinVar aggregate classification (germline): Pathogenic (1 of 4 stars; one submission).

Submission:

Labcorp Genetics (formerly Invitae), Labcorp
Classification: Pathogenic. Last evaluated: 2025-03-11. Review status: criteria provided, single submitter. Criteria: Invitae Variant Classification Sherloc (09022015). Collection method: clinical testing. Allele origin: germline.
Comment: This sequence change creates a premature translational stop signal (p.Asp78Valfs*23) in the LZTR1 gene. It is expected to result in an absent or disrupted protein product. Loss-of-function variants in LZTR1 are known to be pathogenic (PMID: 24362817, 25335493, 25480913, 25795793, 29469822, 30368668, 30442762, 30442766, 30481304, 30859559). This variant is not present in population databases (gnomAD no frequency). This variant has not been reported in the literature in individuals affected with LZTR1-related conditions. For these reasons, this variant has been classified as Pathogenic.

Literature cited by the submitters: PubMed 24362817; PubMed 25335493; PubMed 25480913; PubMed 25795793; PubMed 29469822; PubMed 30368668; PubMed 30442762; PubMed 30442766; PubMed 30481304; PubMed 30859559.